The following is an entry in ClinVar:

ClinVar aggregate classification (germline): Uncertain significance (1 of 4 stars; one submission).

Submission:

Labcorp Genetics (formerly Invitae), Labcorp
Classification: Uncertain significance. Last evaluated: 2020-10-12. Review status: criteria provided, single submitter. Criteria: Invitae Variant Classification Sherloc (09022015). Collection method: clinical testing. Allele origin: germline.
Comment: In summary, the available evidence is currently insufficient to determine the role of this variant in disease. Therefore, it has been classified as a Variant of Uncertain Significance. Algorithms developed to predict the effect of missense changes on protein structure and function (SIFT, PolyPhen-2, Align-GVGD) all suggest that this variant is likely to be tolerated, but these predictions have not been confirmed by published functional studies and their clinical significance is uncertain. This variant has not been reported in the literature in individuals with C1QB-related conditions. This variant is not present in population databases (ExAC no frequency). This sequence change replaces methionine with leucine at codon 2 of the C1QB protein (p.Met2Leu). The methionine residue is weakly conserved and there is a small physicochemical difference between methionine and leucine.

NM_001378156.1(C1QB):c.-3A>T

Gene: C1QB (complement C1q B chain; plus strand). Cytogenetic location: 1p36.12.
Variant type: single nucleotide variant.
Coding change: c.-3A>T on transcript NM_001378156.1 (MANE Select); 3 bases upstream of the start codon, A replaced by T.
Molecular consequence: 5 prime UTR variant. On other transcripts: missense variant (1).
Genome position (GRCh38, 1-based): chr1:22,659,460, A>T. VCF-style: chr1-22659460-A-T. GRCh37 (hg19) VCF-style: chr1-22985953-A-T.
Other names: c.4A>T, p.Met2Leu (NM_000491.5); c.-3A>T (NM_001371184.3); short protein forms M2L.
Identifiers: ClinVar variation 1047852 (VCV001047852.8), dbSNP rs1642587219, ClinGen allele CA338943955.
Genomic context (GRCh38, chr1:22,659,460, plus strand): 5'-ATCACCACGGTGGTAACCTCTCACATTGTCTTCTCCACAGGAGGCGTCTGACACAGTATG[A>T]TGATGAAGATCCCATGGGGCAGCATCCCAGTACTGATGTTGCTCCTGCTCCTGGGCCTAA-3'